The following is an entry in ClinVar:

ClinVar aggregate classification (germline): Uncertain significance (1 of 4 stars; one submission).

Conditions:
Hypertrophic cardiomyopathy. Also called: HYPERTROPHIC MYOCARDIOPATHY. Identifiers: Orphanet 217569, MedGen C0007194, MeSH D002312, MONDO:0005045, HP:0001639.

Allele frequency attached by ClinVar (database versions not stated): gnomAD exomes below 0.00001.
gnomAD v4.1: 1 of 1,612,408 alleles (0.000062%); highest among the groups gnomAD compares: Non-Finnish European, 0.000085%; no homozygotes.

Submission:

All of Us Research Program, National Institutes of Health
Classification: Uncertain significance for Hypertrophic cardiomyopathy. Last evaluated: 2023-08-15. Review status: criteria provided, single submitter. Criteria: ACMG Guidelines, 2015. Collection method: clinical testing. Allele origin: germline. Inheritance: Autosomal dominant inheritance. Observed: 1 variant allele, 1 heterozygote.
Comment: This missense variant replaces phenylalanine with serine at codon 222 of the MYBPC3 protein. Computational prediction suggests that this variant may have deleterious impact on protein structure and function (internally defined REVEL score threshold >= 0.7, PMID: 27666373). To our knowledge, functional studies have not been reported for this variant. This variant has not been reported in individuals affected with MYBPC3-related disorders in the literature. This variant has not been identified in the general population by the Genome Aggregation Database (gnomAD). The available evidence is insufficient to determine the role of this variant in disease conclusively. Therefore, this variant is classified as a Variant of Uncertain Significance.

This study involves interpretation of variants in research participants for the purpose of population health screening. Participant phenotype was not available at the time of variant classification. Additional details can be found in publication PMID: 35346344, PMCID: PMC8962531

NM_000256.3(MYBPC3):c.665T>C (p.Phe222Ser)

Gene: MYBPC3 (myosin binding protein C3; minus strand). Cytogenetic location: 11p11.2.
Variant type: single nucleotide variant.
Coding change: c.665T>C on transcript NM_000256.3 (MANE Select); coding-DNA position 665, T replaced by C.
Protein change: p.Phe222Ser; replaces phenylalanine 222 with serine.
Molecular consequence: missense variant.
Genome position (GRCh38, 1-based): chr11:47,348,531, A>G on the plus strand (T>C on the coding strand, the complement: MYBPC3 is on the minus strand). VCF-style: chr11-47348531-A-G. GRCh37 (hg19) VCF-style: chr11-47370082-A-G.
Other names: short protein forms F222S.
Identifiers: ClinVar variation 3072788 (VCV003072788.1), dbSNP rs2495777012, ClinGen allele CA380336450.